The following is an entry in ClinVar:

NM_001378452.1(ITPR1):c.997-6C>T

Gene: ITPR1 (inositol 1,4,5-trisphosphate receptor type 1; plus strand). Cytogenetic location: 3p26.1.
Variant type: single nucleotide variant.
Coding change: c.997-6C>T on transcript NM_001378452.1 (MANE Select); 6 bases into the intron before coding-DNA position 997, C replaced by T.
Molecular consequence: intron variant.
Genome position (GRCh38, 1-based): chr3:4,658,118, C>T. VCF-style: chr3-4658118-C-T. GRCh37 (hg19) VCF-style: chr3-4699802-C-T.
Other names: c.997-6C>T (NM_001099952.4); c.952-6C>T (NM_001168272.2, NM_002222.7).
Identifiers: ClinVar variation 345604 (VCV000345604.15), dbSNP rs139421901, ClinGen allele CA2231063.

ClinVar aggregate classification (germline): Benign/Likely benign. Review status: criteria provided, multiple submitters, no conflicts (2 of 4 stars). 4 submissions from 4 submitters: Benign (3); Likely benign (1). Last evaluated 2025-12-19.

Conditions:
Autosomal dominant cerebellar ataxia. Also called: Spinocerebellar Ataxia, Dominant. Identifiers: Orphanet 99, MedGen C4087347, MONDO:0020380.

Allele frequency attached by ClinVar (database versions not stated): gnomAD exomes 0.00005 and 0.00023; gnomAD 0.00008 and 0.00018; TOPMed 0.00010; ExAC 0.00029; 1000 Genomes Project 0.00220; 1000 Genomes Project 30x 0.00234.
gnomAD v4.1: 115 of 1,607,028 alleles (0.0072%); highest among the groups gnomAD compares: East Asian, 0.18%; no homozygotes.

Submissions (4):

Labcorp Genetics (formerly Invitae), Labcorp
Classification: Benign. Last evaluated: 2025-12-19. Review status: criteria provided, single submitter. Criteria: Invitae Variant Classification Sherloc (09022015). Collection method: clinical testing. Allele origin: germline.

Athena Diagnostics
Classification: Benign. Last evaluated: 2024-05-14. Review status: criteria provided, single submitter. Criteria: Athena Diagnostics Criteria. Collection method: clinical testing. Allele origin: unknown.

GeneDx
Classification: Likely benign. Last evaluated: 2021-01-08. Review status: criteria provided, single submitter. Criteria: GeneDx Variant Classification Process June 2021. Collection method: clinical testing. Allele origin: germline. Affected: yes.

Illumina Laboratory Services, Illumina
Classification: Benign for Spinocerebellar Ataxia, Dominant. Last evaluated: 2018-01-13. Review status: criteria provided, single submitter. Criteria: ICSL Variant Classification Criteria 13 December 2019. Collection method: clinical testing. Allele origin: germline.
Comment: This variant was observed in the ICSL laboratory as part of a predisposition screen in an ostensibly healthy population. It had not been previously curated by ICSL or reported in the Human Gene Mutation Database (HGMD: prior to June 1st, 2018), and was therefore a candidate for classification through an automated scoring system. Utilizing variant allele frequency, disease prevalence and penetrance estimates, and inheritance mode, an automated score was calculated to assess if this variant is too frequent to cause the disease. Based on the score and internal cut-off values, a variant classified as benign is not then subjected to further curation. The score for this variant resulted in a classification of benign for this disease.